The following is an entry in ClinVar:

ClinVar aggregate classification (germline): Uncertain significance (1 of 4 stars; one submission).

Conditions:
Inborn genetic diseases. Identifiers: MedGen C0950123, MeSH D030342.

Submission:

Ambry Genetics
Classification: Uncertain significance for Inborn genetic diseases. Last evaluated: 2024-11-22. Review status: criteria provided, single submitter. Criteria: Ambry Variant Classification Scheme 2023. Collection method: clinical testing. Allele origin: germline.
Comment: The p.K1495R variant (also known as c.4484A>G), located in coding exon 30 of the ANKRD26 gene, results from an A to G substitution at nucleotide position 4484. The lysine at codon 1495 is replaced by arginine, an amino acid with highly similar properties. This amino acid position is conserved. In addition, this alteration is predicted to be tolerated by in silico analysis. Based on the available evidence, the clinical significance of this variant remains unclear.

NM_014915.3(ANKRD26):c.4484A>G (p.Lys1495Arg)

Gene: ANKRD26 (ankyrin repeat domain containing 26; minus strand). Cytogenetic location: 10p12.1.
Variant type: single nucleotide variant.
Coding change: c.4484A>G on transcript NM_014915.3 (MANE Select); coding-DNA position 4484, A replaced by G.
Protein change: p.Lys1495Arg; replaces lysine 1495 with arginine.
Molecular consequence: missense variant.
Genome position (GRCh38, 1-based): chr10:27,017,524, T>C on the plus strand (A>G on the coding strand, the complement: ANKRD26 is on the minus strand). VCF-style: chr10-27017524-T-C. GRCh37 (hg19) VCF-style: chr10-27306453-T-C.
Other names: c.4481A>G, p.Lys1494Arg (NM_001256053.2); short protein forms K1494R, K1495R.
Identifiers: ClinVar variation 3396605 (VCV003396605.1).